The following is an entry in ClinVar:

NM_000088.4(COL1A1):c.1111G>A (p.Gly371Ser)

Gene: COL1A1 (collagen type I alpha 1 chain; minus strand). Cytogenetic location: 17q21.33.
Variant type: single nucleotide variant.
Coding change: c.1111G>A on transcript NM_000088.4 (MANE Select); coding-DNA position 1111, G replaced by A.
Protein change: p.Gly371Ser; replaces glycine 371 with serine.
Molecular consequence: missense variant.
Genome position (GRCh38, 1-based): chr17:50,195,611, C>T on the plus strand (G>A on the coding strand, the complement: COL1A1 is on the minus strand). VCF-style: chr17-50195611-C-T. GRCh37 (hg19) VCF-style: chr17-48272972-C-T.
Other names: short protein forms G371S.
Identifiers: ClinVar variation 526864 (VCV000526864.9), dbSNP rs72645368, ClinGen allele CA291546874.

ClinVar aggregate classification (germline): Pathogenic (1 of 4 stars; one submission).

Conditions:
Osteogenesis imperfecta type I (OI1). Also called: Osteogenesis imperfecta type 1; OI, TYPE I; OSTEOGENESIS IMPERFECTA TARDA; OSTEOGENESIS IMPERFECTA WITH BLUE SCLERAE; Lobstein's Disease; Lobstein disease. Identifiers: Orphanet 216796, Orphanet 666, MedGen C0023931, MONDO:0008146, OMIM 166200. Disease mechanism: loss of function.

Submission:

Labcorp Genetics (formerly Invitae), Labcorp
Classification: Pathogenic for Osteogenesis imperfecta type I. Last evaluated: 2017-10-22. Review status: criteria provided, single submitter. Criteria: Invitae Variant Classification Sherloc (09022015). Collection method: clinical testing. Allele origin: germline.
Comment: This sequence change replaces glycine with serine at codon 371 of the COL1A1 protein (p.Gly371Ser). The glycine residue is highly conserved and there is a small physicochemical difference between glycine and serine. This variant is not present in population databases (ExAC no frequency). This variant has been reported in several individuals affected with osteogenesis imperfecta (PMID: 17078022, 21667357, 22589248, 26604951). For these reasons, this variant has been classified as Pathogenic. Glycine residues within the Gly-Xaa-Yaa repeats of the triple helix domain are required for the structure and stability of fibrillar collagens (PMID: 7695699, 8218237, 19344236). In COL1A1, missense variants at these glycine residues are significantly enriched in individuals with disease (PMID: 9016532, 17078022) compared to the general population (ExAC).

Literature cited by the submitters: PubMed 17078022; PubMed 21667357; PubMed 22589248; PubMed 26604951; PubMed 7695699; PubMed 8218237; PubMed 19344236; PubMed 9016532.